The following is an entry in ClinVar:

ClinVar aggregate classification (germline): Likely benign (1 of 4 stars; one submission).

Conditions:
Hereditary breast ovarian cancer syndrome. Also called: Hereditary breast and/or ovarian cancer syndrome; BRCA1- and BRCA2-Associated Hereditary Breast and Ovarian Cancer; Hereditary breast and ovarian cancer syndrome; Hereditary breast and ovarian cancer; Hereditary breast and ovarian cancer syndrome (HBOC); Breast and ovarian cancer. Identifiers: Orphanet 145, MedGen C0677776, MeSH D061325, MONDO:0003582. Disease mechanism: loss of function.

Submissions (2):

Labcorp Genetics (formerly Invitae), Labcorp
Classification: Likely benign for Hereditary breast ovarian cancer syndrome. Last evaluated: 2022-11-25. Review status: criteria provided, single submitter. Criteria: Invitae Variant Classification Sherloc (09022015). Collection method: clinical testing. Allele origin: germline.

Brotman Baty Institute, University of Washington
No classification provided (evidence only). Condition: Breast-ovarian cancer, familial 1. Review status: no classification provided. Collection method: in vitro. Allele origin: not applicable. Functional consequence: functionally_normal. Not counted in ClinVar's aggregate classification.
ClinVar note: "not provided" was previously submitted as the classification for the variant. However, the classification appeared to be based only on an observation of functional data so it was converted to no classification on 2025-07-30.

NM_007294.4(BRCA1):c.5467+14A>C

Gene: BRCA1 (BRCA1 DNA repair associated; minus strand). Cytogenetic location: 17q21.31.
Variant type: single nucleotide variant.
Coding change: c.5467+14A>C on transcript NM_007294.4 (MANE Select); 14 bases into the intron after coding-DNA position 5467, A replaced by C.
Molecular consequence: intron variant.
Genome position (GRCh38, 1-based): chr17:43,047,629, T>G on the plus strand (A>C on the coding strand, the complement: BRCA1 is on the minus strand). VCF-style: chr17-43047629-T-G. GRCh37 (hg19) VCF-style: chr17-41199646-T-G.
Other names: c.2014+14A>C (NM_001408458.1, NM_001408461.1, NM_001408464.1 and 7 more transcripts); c.4576+14A>C (NM_001407967.1); c.5086+14A>C (NM_001407959.1); c.5200+14A>C (NM_001407931.1, NM_001407932.1, NM_001407928.1 and 4 more transcripts); c.5323+14A>C (NM_001407747.1, NM_001407745.1, NM_001407737.1 and 18 more transcripts); c.5083+14A>C (NM_001407962.1, NM_001407960.1); c.1654+14A>C (NM_001408512.1); c.1777+14A>C (NM_001408510.1); and 83 more.
Identifiers: ClinVar variation 864890 (VCV000864890.6), dbSNP rs886052974, ClinGen allele CA916080748.
Genomic context (GRCh38, chr17:43,047,629, plus strand): 5'-CACCAGGTAATGAGTGATAAACCAAACCCATGCAAAAGGACCCCATATAGCACAGGTACA[T>G]GCAGGCACCTTACCATGGAAGCCATTGTCCTCTGTCCAGGCATCTGGCTGCACAACCACA-3'